The following is an entry in ClinVar:

NM_024809.5(TCTN2):c.599G>A (p.Arg200Gln)

Gene: TCTN2 (tectonic family member 2; plus strand). Cytogenetic location: 12q24.31.
Variant type: single nucleotide variant.
Coding change: c.599G>A on transcript NM_024809.5 (MANE Select); coding-DNA position 599, G replaced by A.
Protein change: p.Arg200Gln; replaces arginine 200 with glutamine.
Molecular consequence: missense variant.
Genome position (GRCh38, 1-based): chr12:123,686,870, G>A. VCF-style: chr12-123686870-G-A. GRCh37 (hg19) VCF-style: chr12-124171417-G-A.
Other names: p.Arg200Gln; c.596G>A, p.Arg199Gln (NM_001143850.3); short protein forms R200Q, R199Q.
Identifiers: ClinVar variation 126288 (VCV000126288.48), dbSNP rs79251326, ClinGen allele CA150964.

ClinVar aggregate classification (germline): Conflicting classifications of pathogenicity. Review status: criteria provided, conflicting classifications (1 of 4 stars). 10 submissions from 9 submitters: Uncertain significance (1); Benign (7); Likely benign (2). Last evaluated 2026-09-01.

Conditions:
Meckel-Gruber syndrome. Also called: DYSENCEPHALIA SPLANCHNOCYSTICA; GRUBER SYNDROME; Dysencephalia splachnocystica. Identifiers: Orphanet 564, MedGen C0265215, MONDO:0018921.
Joubert syndrome. Also called: Familial aplasia of the vermis; JOUBERT-BOLTSHAUSER SYNDROME. Identifiers: Orphanet 475, MedGen C5979921, MONDO:0018772.
Joubert syndrome 24 (JBTS24). Identifiers: Orphanet 475, MedGen C4084841, MONDO:0014724, OMIM 616654.
Meckel syndrome, type 8. Identifiers: Orphanet 564, MedGen C3836857, MONDO:0013482, OMIM 613885.

Allele frequency attached by ClinVar (database versions not stated): 1000 Genomes Project 30x 0.00656; 1000 Genomes Project 0.00679; ExAC 0.00895; TOPMed 0.00910; gnomAD exomes 0.00947; ESP Exome Variant Server 0.00961; gnomAD 0.00962 and 0.00978.
gnomAD v4.1: 19,202 of 1,614,156 alleles (1.2%); highest among the groups gnomAD compares: Non-Finnish European, 1.4%; 161 homozygotes.

Submissions (10):

CeGaT Center for Human Genetics Tuebingen
Classification: Benign. Last evaluated: 2026-09-01. Review status: criteria provided, single submitter. Criteria: CeGaT Center For Human Genetics Tuebingen Variant Classification Criteria Version 2. Collection method: clinical testing. Allele origin: germline. Affected: yes. Observed: 36 variant alleles.
Comment: TCTN2: BP4, BS1, BS2

Labcorp Genetics (formerly Invitae), Labcorp
Classification: Benign for Joubert syndrome; Meckel-Gruber syndrome. Last evaluated: 2026-02-04. Review status: criteria provided, single submitter. Criteria: Invitae Variant Classification Sherloc (09022015). Collection method: clinical testing. Allele origin: germline.

Mayo Clinic Laboratories, Mayo Clinic
Classification: Benign. Last evaluated: 2025-09-22. Review status: criteria provided, single submitter. Criteria: ACMG Guidelines, 2015. Collection method: clinical testing. Allele origin: germline. Observed: 2 variant alleles.
Comment: BA1, BP4_strong

Illumina Laboratory Services, Illumina
Classification: Benign for Joubert syndrome 24. Last evaluated: 2017-04-27. Review status: criteria provided, single submitter. Criteria: ICSL Variant Classification Criteria 13 December 2019. Collection method: clinical testing. Allele origin: germline.
Comment: This variant was observed as part of a predisposition screen in an ostensibly healthy population. A literature search was performed for the gene, cDNA change, and amino acid change (where applicable). No publications were found based on this search. Allele frequency data from public databases was too high to be consistent with this variant causing disease. Therefore, this variant is classified as benign.

Illumina Laboratory Services, Illumina
Classification: Uncertain significance for Meckel syndrome, type 8. Last evaluated: 2017-04-27. Review status: criteria provided, single submitter. Criteria: ICSL Variant Classification Criteria 13 December 2019. Collection method: clinical testing. Allele origin: germline.

GeneDx
Classification: Benign. Last evaluated: 2017-02-09. Review status: criteria provided, single submitter. Criteria: GeneDx Variant Classification (06012015). Collection method: clinical testing. Allele origin: germline. Affected: yes.
Comment: This variant is considered likely benign or benign based on one or more of the following criteria: it is a conservative change, it occurs at a poorly conserved position in the protein, it is predicted to be benign by multiple in silico algorithms, and/or has population frequency not consistent with disease.

Genetic Services Laboratory, University of Chicago
Classification: Benign. Last evaluated: 2016-07-20. Review status: criteria provided, single submitter. Criteria: ACMG Guidelines, 2015. Collection method: clinical testing. Allele origin: germline. Affected: no.

Genome Diagnostics Laboratory, University Medical Center Utrecht
Classification: Likely benign for Meckel syndrome, type 8. Last evaluated: 2016-01-19. Review status: criteria provided, single submitter. Criteria: ACGS Guidelines, 2013. Collection method: clinical testing. Allele origin: germline. Affected: yes. Study: VKGL Data-share Consensus.

Clinical Genetics DNA and cytogenetics Diagnostics Lab, Erasmus MC, Erasmus Medical Center
Classification: Likely benign for Meckel syndrome, type 8. Last evaluated: 2015-09-21. Review status: criteria provided, single submitter. Criteria: ACGS Guidelines, 2013. Collection method: clinical testing. Allele origin: germline. Affected: yes. Study: VKGL Data-share Consensus.

PreventionGenetics, part of Exact Sciences
Classification: Benign. Review status: criteria provided, single submitter. Criteria: ACMG Guidelines, 2015. Collection method: clinical testing. Allele origin: germline.